The following is an entry in ClinVar:

ClinVar aggregate classification (germline): Uncertain significance (1 of 4 stars; one submission).

Conditions:
ASAP2-related condition.

Submission:

PreventionGenetics, part of Exact Sciences
Classification: Uncertain significance for ASAP2-related condition. Last evaluated: 2026-02-12. Review status: criteria provided, single submitter. Criteria: ACMG Guidelines, 2015. Collection method: clinical testing. Allele origin: germline.
Comment: The ASAP2 c.2242_2244delinsTAC variant is predicted to result in an in-frame deletion and insertion. To our knowledge, this variant has not been reported in the literature or in a large population database (gnomAD), indicating this variant is rare. Although we suspect that this variant may be benign, at this time, the clinical significance of this variant is uncertain due to the absence of conclusive functional and genetic evidence.

NM_003887.3(ASAP2):c.2242_2244delinsTAC (p.Glu748Tyr)

Gene: ASAP2 (ArfGAP with SH3 domain, ankyrin repeat and PH domain 2; plus strand). Cytogenetic location: 2p25.1.
Variant type: Indel.
Coding change: c.2242_2244delinsTAC on transcript NM_003887.3 (MANE Select); coding-DNA positions 2242 to 2244, GAG replaced by TAC.
Protein change: p.Glu748Tyr; replaces glutamic acid 748 with tyrosine.
Molecular consequence: missense variant.
Genome position (GRCh38, 1-based): chr2:9,388,405-9,388,407, GAG replaced by TAC. VCF-style: chr2-9388405-GAG-TAC. GRCh37 (hg19) VCF-style: chr2-9528534-GAG-TAC.
Other names: c.2242_2244delinsTAC, p.Glu748Tyr (NM_001135191.2); short protein forms E748Y.
Identifiers: ClinVar variation 4992239 (VCV004992239.1).